The following is an entry in ClinVar:

NM_199355.4(ADAMTS18):c.482C>T (p.Thr161Met)

Gene: ADAMTS18 (ADAM metallopeptidase with thrombospondin type 1 motif 18; minus strand). Cytogenetic location: 16q23.1.
Variant type: single nucleotide variant.
Coding change: c.482C>T on transcript NM_199355.4 (MANE Select); coding-DNA position 482, C replaced by T.
Protein change: p.Thr161Met; replaces threonine 161 with methionine.
Molecular consequence: missense variant. On other transcripts: 5 prime UTR variant (1).
Genome position (GRCh38, 1-based): chr16:77,431,308, G>A on the plus strand (C>T on the coding strand, the complement: ADAMTS18 is on the minus strand). VCF-style: chr16-77431308-G-A. GRCh37 (hg19) VCF-style: chr16-77465205-G-A.
Other names: c.-39C>T (NM_001326358.2); short protein forms T161M.
Identifiers: ClinVar variation 1034927 (VCV001034927.6), dbSNP rs1256309020, ClinGen allele CA396851008.

ClinVar aggregate classification (germline): Uncertain significance (1 of 4 stars; one submission).

Allele frequency attached by ClinVar (database versions not stated): gnomAD exomes below 0.00001 and 0.00002; gnomAD 0.00001; TOPMed 0.00001.
gnomAD v4.1: 25 of 1,613,994 alleles (0.0015%); highest among the groups gnomAD compares: East Asian, 0.0022%; no homozygotes.

Submission:

Labcorp Genetics (formerly Invitae), Labcorp
Classification: Uncertain significance. Last evaluated: 2022-09-27. Review status: criteria provided, single submitter. Criteria: Invitae Variant Classification Sherloc (09022015). Collection method: clinical testing. Allele origin: germline.
Comment: This sequence change replaces threonine, which is neutral and polar, with methionine, which is neutral and non-polar, at codon 161 of the ADAMTS18 protein (p.Thr161Met). This variant is present in population databases (no rsID available, gnomAD 0.002%). This variant has not been reported in the literature in individuals affected with ADAMTS18-related conditions. ClinVar contains an entry for this variant (Variation ID: 1034927). Algorithms developed to predict the effect of missense changes on protein structure and function are either unavailable or do not agree on the potential impact of this missense change (SIFT: "Not Available"; PolyPhen-2: "Probably Damaging"; Align-GVGD: "Not Available"). In summary, the available evidence is currently insufficient to determine the role of this variant in disease. Therefore, it has been classified as a Variant of Uncertain Significance.